The following is an entry in ClinVar:

ClinVar aggregate classification (germline): Uncertain significance. Review status: criteria provided, multiple submitters, no conflicts (2 of 4 stars). 5 submissions from 5 submitters: Uncertain significance (4). 1 of the submissions does not count toward it. Last evaluated 2025-10-19.

Conditions:
ELOVL4-related disorder. Also called: ELOVL4-related condition; ELOVL4-related disorders.
Inborn genetic diseases. Identifiers: MedGen C0950123, MeSH D030342.
Retinal dystrophy. Also called: Inherited retinal dystrophy. Identifiers: Orphanet 71862, MedGen C0854723, MeSH D058499, MONDO:0019118, HP:0000556.

Allele frequency attached by ClinVar (database versions not stated): gnomAD 0.00003; TOPMed 0.00003.
gnomAD v4.1: 13 of 1,613,150 alleles (0.00081%); highest among the groups gnomAD compares: Non-Finnish European, 0.0011%; no homozygotes.

Submissions (5):

Labcorp Genetics (formerly Invitae), Labcorp
Classification: Uncertain significance. Last evaluated: 2025-10-19. Review status: criteria provided, single submitter. Criteria: Invitae Variant Classification Sherloc (09022015). Collection method: clinical testing. Allele origin: germline.
Comment: This sequence change replaces alanine, which is neutral and non-polar, with valine, which is neutral and non-polar, at codon 18 of the ELOVL4 protein (p.Ala18Val). This variant is present in population databases (no rsID available, gnomAD 0.0009%). This variant has not been reported in the literature in individuals affected with ELOVL4-related conditions. ClinVar contains an entry for this variant (Variation ID: 1923153). An algorithm developed to predict the effect of missense changes on protein structure and function (PolyPhen-2) suggests that this variant is likely to be tolerated. In summary, the available evidence is currently insufficient to determine the role of this variant in disease. Therefore, it has been classified as a Variant of Uncertain Significance.

PreventionGenetics, part of Exact Sciences
Classification: Uncertain significance for ELOVL4-related condition. Last evaluated: 2025-10-08. Review status: criteria provided, single submitter. Criteria: ACMG Guidelines, 2015. Collection method: clinical testing. Allele origin: germline.
Comment: The ELOVL4 c.53C>T variant is predicted to result in the amino acid substitution p.Ala18Val. To our knowledge, this variant has not been reported in the literature. This variant is present in 0.0065% of alleles in individuals of European (Non-Finnish) descent in gnomAD. At this time, the clinical significance of this variant is uncertain due to the absence of conclusive functional and genetic evidence.

Ambry Genetics
Classification: Uncertain significance for Inborn genetic diseases. Last evaluated: 2025-08-12. Review status: criteria provided, single submitter. Criteria: Ambry Variant Classification Scheme 2023. Collection method: clinical testing. Allele origin: germline.

Blueprint Genetics
Classification: Uncertain significance. Last evaluated: 2020-08-31. Review status: criteria provided, single submitter. Criteria: ACMG Guidelines, 2015. Collection method: clinical testing. Allele origin: germline.

Institute of Human Genetics, Univ. Regensburg, Univ. Regensburg
Classification: Uncertain significance for Retinal dystrophy. Last evaluated: 2022-01-01. Review status: no assertion criteria provided. Criteria: ACMG Guidelines, 2015. Collection method: clinical testing. Allele origin: germline. Affected: yes. Not counted in ClinVar's aggregate classification.

NM_022726.4(ELOVL4):c.53C>T (p.Ala18Val)

Gene: ELOVL4 (ELOVL fatty acid elongase 4; minus strand). Cytogenetic location: 6q14.1.
Variant type: single nucleotide variant.
Coding change: c.53C>T on transcript NM_022726.4 (MANE Select); coding-DNA position 53, C replaced by T.
Protein change: p.Ala18Val; replaces alanine 18 with valine.
Molecular consequence: missense variant.
Genome position (GRCh38, 1-based): chr6:79,947,227, G>A on the plus strand (C>T on the coding strand, the complement: ELOVL4 is on the minus strand). VCF-style: chr6-79947227-G-A. GRCh37 (hg19) VCF-style: chr6-80656944-G-A.
Other names: c.53C>T (NM_022726.3); short protein forms A18V.
Identifiers: ClinVar variation 1923153 (VCV001923153.11), dbSNP rs1464057225, ClinGen allele CA364658827.